The following is an entry in ClinVar:

ClinVar aggregate classification (germline): Uncertain significance. Review status: criteria provided, multiple submitters, no conflicts (2 of 4 stars). 3 submissions from 3 submitters: Uncertain significance (3). Last evaluated 2024-07-15.

Conditions:
Cardiomyopathy (CMYO). Also called: Cardiomyopathies. Identifiers: Orphanet 167848, MedGen C0878544, MONDO:0004994, HP:0001638. Inheritance: Various modes of inheritance.
Catecholaminergic polymorphic ventricular tachycardia (CVPT). Also called: Catecholamine-induced polymorphic ventricular tachycardia. Identifiers: Orphanet 3286, MedGen C5574922, MONDO:0017990.
Catecholaminergic polymorphic ventricular tachycardia 1. Also called: VENTRICULAR TACHYCARDIA, CATECHOLAMINERGIC POLYMORPHIC, 1, WITH OR WITHOUT ATRIAL DYSFUNCTION AND/OR DILATED CARDIOMYOPATHY; VENTRICULAR TACHYCARDIA, STRESS-INDUCED POLYMORPHIC 1; RYR2-Related Catecholaminergic Polymorphic Ventricular Tachycardia. Identifiers: Orphanet 3286, MedGen C1631597, MONDO:0011484, OMIM 604772.

gnomAD v4.1: 1 of 1,611,142 alleles (0.000062%); highest among the groups gnomAD compares: Non-Finnish European, 0.000085%; no homozygotes.

Submissions (3):

Color Diagnostics, LLC DBA Color Health
Classification: Uncertain significance for Cardiomyopathy. Last evaluated: 2024-07-15. Review status: criteria provided, single submitter. Criteria: ACMG Guidelines, 2015. Collection method: clinical testing. Allele origin: germline.
Comment: This missense variant replaces lysine with arginine at codon 3309 of the RYR2 protein. Computational prediction suggests that this variant may not impact protein structure and function (internally defined REVEL score threshold <= 0.5, PMID: 27666373). To our knowledge, functional studies have not been reported for this variant. This variant has not been reported in individuals affected with RYR2-related disorders in the literature. This variant has not been identified in the general population by the Genome Aggregation Database (gnomAD). The available evidence is insufficient to determine the role of this variant in disease conclusively. Therefore, this variant is classified as a Variant of Uncertain Significance.

All of Us Research Program, National Institutes of Health
Classification: Uncertain significance for Catecholaminergic polymorphic ventricular tachycardia. Last evaluated: 2023-05-04. Review status: criteria provided, single submitter. Criteria: ACMG Guidelines, 2015. Collection method: clinical testing. Allele origin: germline. Inheritance: Autosomal dominant inheritance. Observed: 1 variant allele, 1 heterozygote.
Comment: This missense variant replaces lysine with arginine at codon 3309 of the RYR2 protein. Computational prediction suggests that this variant may not impact protein structure and function (internally defined REVEL score threshold <= 0.5, PMID: 27666373). To our knowledge, functional studies have not been reported for this variant. This variant has not been reported in individuals affected with RYR2-related disorders in the literature. This variant has not been identified in the general population by the Genome Aggregation Database (gnomAD). The available evidence is insufficient to determine the role of this variant in disease conclusively. Therefore, this variant is classified as a Variant of Uncertain Significance.

This study involves interpretation of variants in research participants for the purpose of population health screening. Participant phenotype was not available at the time of variant classification. Additional details can be found in publication PMID: 35346344, PMCID: PMC8962531

Labcorp Genetics (formerly Invitae), Labcorp
Classification: Uncertain significance for Catecholaminergic polymorphic ventricular tachycardia 1. Last evaluated: 2021-03-28. Review status: criteria provided, single submitter. Criteria: Invitae Variant Classification Sherloc (09022015). Collection method: clinical testing. Allele origin: germline.
Comment: Advanced modeling of protein sequence and biophysical properties (such as structural, functional, and spatial information, amino acid conservation, physicochemical variation, residue mobility, and thermodynamic stability) performed at Invitae indicates that this missense variant is not expected to disrupt RYR2 protein function. Algorithms developed to predict the effect of sequence changes on RNA splicing suggest that this variant may create or strengthen a splice site, but this prediction has not been confirmed by published transcriptional studies. In summary, the available evidence is currently insufficient to determine the role of this variant in disease. Therefore, it has been classified as a Variant of Uncertain Significance. This variant has not been reported in the literature in individuals with RYR2-related conditions. This sequence change replaces lysine with arginine at codon 3309 of the RYR2 protein (p.Lys3309Arg). The lysine residue is highly conserved and there is a small physicochemical difference between lysine and arginine. This variant is not present in population databases (ExAC no frequency).

NM_001035.3(RYR2):c.9926A>G (p.Lys3309Arg)

Gene: RYR2 (ryanodine receptor 2; plus strand). Cytogenetic location: 1q43.
Variant type: single nucleotide variant.
Coding change: c.9926A>G on transcript NM_001035.3 (MANE Select); coding-DNA position 9926, A replaced by G.
Protein change: p.Lys3309Arg; replaces lysine 3309 with arginine.
Molecular consequence: missense variant.
Genome position (GRCh38, 1-based): chr1:237,708,882, A>G. VCF-style: chr1-237708882-A-G. GRCh37 (hg19) VCF-style: chr1-237872182-A-G.
Other names: short protein forms K3309R.
Identifiers: ClinVar variation 1484128 (VCV001484128.11), dbSNP rs2149066547, ClinGen allele CA345410267.
Genomic context (GRCh38, chr1:237,708,882, plus strand): 5'-TTACAGAGCAGAATACTAATGTCTGTCTTTAAACAGTGTTTTCCCAGCCTATAATAAATA[A>G]AGTGAAACCTCAGCTCTTGAAAACTCATTTCTTGCCGTTAATGGAGAAACTCAAGAAAAA-3'
Protein context (NP_001026.2, residues 3299-3319): LAVFSQPIIN[Lys3309Arg]VKPQLLKTHF